The following is an entry in ClinVar:

NM_000051.4(ATM):c.4402G>A (p.Val1468Ile)

Gene: ATM (ATM serine/threonine kinase; plus strand). Cytogenetic location: 11q22.3.
Variant type: single nucleotide variant.
Coding change: c.4402G>A on transcript NM_000051.4 (MANE Select); coding-DNA position 4402, G replaced by A.
Protein change: p.Val1468Ile; replaces valine 1468 with isoleucine.
Molecular consequence: missense variant.
Genome position (GRCh38, 1-based): chr11:108,289,767, G>A. VCF-style: chr11-108289767-G-A. GRCh37 (hg19) VCF-style: chr11-108160494-G-A.
Other names: p.V1468I:GTT>ATT; c.4402G>A, p.Val1468Ile (NM_001351834.2); short protein forms V1468I.
Identifiers: ClinVar variation 127389 (VCV000127389.47), dbSNP rs369903995, ClinGen allele CA157119.
Genomic context (GRCh38, chr11:108,289,767, plus strand): 5'-TTATTACTGAAAGATATAAAAAGTGGCTTAGGAGGAGCTTGGGCCTTTGTTCTTCGAGAC[G>A]TTATTTATACTTTGATTCACTATATCAACCAAAGGTAAATAACATATTTAGACCAATATA-3'
Protein context (NP_000042.3, residues 1458-1478): GGAWAFVLRD[Val1468Ile]IYTLIHYINQ

ClinVar aggregate classification (germline): Conflicting classifications of pathogenicity. Review status: criteria provided, conflicting classifications (1 of 4 stars). 20 submissions from 19 submitters: Uncertain significance (11); Likely benign (7). 2 of the submissions do not count toward it. Last evaluated 2026-06-23.

Conditions:
ATM-related disorder. Also called: ATM-related disorders; ATM-related condition.
ATM-related cancer predisposition. Also called: ATM-related cancer susceptibility. Identifiers: MedGen CN377759, MONDO:0700270.
Hereditary cancer-predisposing syndrome. Also called: Neoplastic Syndromes, Hereditary; Tumor predisposition; Hereditary Cancer Syndrome; Hereditary neoplastic syndrome. Identifiers: Orphanet 140162, MedGen C0027672, MeSH D009386, MONDO:0015356.
Hereditary breast ovarian cancer syndrome. Also called: BRCA1- and BRCA2-Associated Hereditary Breast and Ovarian Cancer; Hereditary breast and ovarian cancer; Hereditary breast and ovarian cancer syndrome; Hereditary breast and ovarian cancer syndrome (HBOC); Breast and ovarian cancer; Hereditary breast and/or ovarian cancer syndrome. Identifiers: Orphanet 145, MedGen C0677776, MeSH D061325, MONDO:0003582. Disease mechanism: loss of function.
Familial cancer of breast. Also called: hereditary breast carcinoma; Hereditary breast cancer; BREAST CANCER, FAMILIAL. Identifiers: Orphanet 227535, MedGen C0346153, MONDO:0016419, OMIM 114480. Disease mechanism: loss of function.
Ataxia-telangiectasia syndrome (AT). Also called: LOUIS-BAR SYNDROME; Cerebello-oculocutaneous telangiectasia; Immunodeficiency with ataxia telangiectasia; Ataxia-telangiectasia, complementation group D; Ataxia-telangiectasia, complementation group E; Ataxia telangiectasia (A-T). Identifiers: Orphanet 100, MedGen C0004135, MONDO:0008840, OMIM 208900.

Allele frequency attached by ClinVar (database versions not stated): gnomAD exomes 0.00003 and 0.00008; ESP Exome Variant Server 0.00008; ExAC 0.00012; 1000 Genomes Project 0.00020; gnomAD 0.00029 and 0.00034; 1000 Genomes Project 30x 0.00031; TOPMed 0.00032.
gnomAD v4.1: 82 of 1,613,300 alleles (0.0051%); highest among the groups gnomAD compares: African/African-American, 0.087%; no homozygotes.

Submissions 1 to 13 of 20:

PreventionGenetics, part of Exact Sciences
Classification: Likely benign for ATM-related condition. Last evaluated: 2026-06-23. Review status: criteria provided, single submitter. Criteria: ACMG Guidelines, 2015. Collection method: clinical testing. Allele origin: germline.
Comment: This variant is classified as likely benign based on ACMG/AMP sequence variant interpretation guidelines (Richards et al. 2015 PMID: 25741868, with internal and published modifications).

Labcorp Genetics (formerly Invitae), Labcorp
Classification: Likely benign for Ataxia-telangiectasia syndrome. Last evaluated: 2026-01-27. Review status: criteria provided, single submitter. Criteria: Invitae Variant Classification Sherloc (09022015). Collection method: clinical testing. Allele origin: germline.

GeneDx
Classification: Uncertain significance. Last evaluated: 2025-04-23. Review status: criteria provided, single submitter. Criteria: GeneDx Variant Classification Process June 2021. Collection method: clinical testing. Allele origin: germline. Affected: yes.
Comment: In silico analysis indicates that this missense variant does not alter protein structure/function; Observed in individuals with colorectal, prostate, breast, and thyroid cancer (PMID: 27978560, 29684080, 35666082); This variant is associated with the following publications: (PMID: 24728327, 28873162, 29684080, 36167400, 27978560, 35666082, 39854657)

Molecular Diagnostics Laboratory, Catalan Institute of Oncology
Classification: Likely benign for Hereditary cancer-predisposing syndrome. Last evaluated: 2025-04-02. Review status: criteria provided, single submitter. Criteria: ClinGen ACMG Specifications ATM V1.1.0. Collection method: clinical testing. Allele origin: germline.
Comment: BS1, BP4 c.4402G>A, located in exon 29 of the ATM gene, is predicted to result in the substitution of Val by Ile at codon 1468, p.(Val1468Ile). The variant allele was found in 20/23556 alleles, with a filter allele frequency of 0.056% at 95% confidence, within the African population in the gnomAD v2.1.1 database (non-cancer data set) (BS1). The SpliceAI algorithm predicts no significant impact on splicing and the REVEL meta-predictor score for this variant (0.077) suggests that it does not affect the protein function (BP4). To our knowledge, neither relevant clinical data nor well-stablished functional studies have been reported for this variant. This variant has been reported in ClinVar (5x likely benign, 10x uncertain significance) and LOVD (1x NA) databases. Based on currently available information, the variant c.4402G>A should be considered a likely benign variant according to ACMG Classification Rules Specified for ATM v1.1.

Quest Diagnostics Nichols Institute San Juan Capistrano
Classification: Uncertain significance. Last evaluated: 2025-04-02. Review status: criteria provided, single submitter. Criteria: Quest Diagnostics criteria. Collection method: clinical testing. Allele origin: unknown.

Center for Genomic Medicine, Rigshospitalet, Copenhagen University Hospital
Classification: Likely benign. Last evaluated: 2025-03-04. Review status: criteria provided, single submitter. Criteria: ACMG Guidelines, 2015. Collection method: clinical testing. Allele origin: germline.
Comment: Classification criteria: BS1+BP4

Women's Health and Genetics/Laboratory Corporation of America, LabCorp
Classification: Uncertain significance. Last evaluated: 2024-06-07. Review status: criteria provided, single submitter. Criteria: LabCorp Variant Classification Summary - May 2015. Collection method: clinical testing. Allele origin: germline.
Comment: Variant summary: ATM c.4402G>A (p.Val1468Ile) results in a conservative amino acid change in the encoded protein sequence. Four of five in-silico tools predict a benign effect of the variant on protein function. The variant allele was found at a frequency of 0.0001 in 270710 control chromosomes, predominantly at a frequency of 0.0008 within the African or African-American subpopulation in the gnomAD database. Another database, FLOSSIES, that contains unaffected individuals older than 70 years of age, observed the variant in 6/2559 African Americans, combining this data with the gnomAD occurrences could suggest the variant is a benign polymorphism found in populations of African origin. These reports do not provide unequivocal conclusions about association of the variant with Breast Cancer. To our knowledge, no experimental evidence demonstrating an impact on protein function has been reported. The following publications have been ascertained in the context of this evaluation (PMID: 27978560, 35666082, 36167400). ClinVar contains an entry for this variant (Variation ID: 127389). Based on the evidence outlined above, the variant was classified as VUS-possibly benign.

Myriad Genetics, Inc.
Classification: Likely benign for Familial cancer of breast. Last evaluated: 2024-05-17. Review status: criteria provided, single submitter. Criteria: Myriad Autosomal Dominant, Autosomal Recessive and X-Linked Classification Criteria (2023). Collection method: clinical testing. Allele origin: unknown.
Comment: This variant is considered likely benign. This variant is strongly associated with less severe personal and family histories of cancer, typical for individuals without pathogenic variants in this gene [PMID: 25085752].

Baylor Genetics
Classification: Uncertain significance for Familial cancer of breast. Last evaluated: 2024-03-06. Review status: criteria provided, single submitter. Criteria: ACMG Guidelines, 2015. Collection method: clinical testing. Allele origin: unknown.

Ambry Genetics
Classification: Likely benign for Hereditary cancer-predisposing syndrome. Last evaluated: 2022-10-27. Review status: criteria provided, single submitter. Criteria: Ambry Variant Classification Scheme 2023. Collection method: clinical testing. Allele origin: germline.

Blueprint Genetics
Classification: Uncertain significance. Last evaluated: 2021-08-27. Review status: criteria provided, single submitter. Criteria: ACMG Guidelines, 2015. Collection method: clinical testing. Allele origin: germline.

Sema4
Classification: Uncertain significance for Hereditary cancer-predisposing syndrome. Last evaluated: 2021-08-16. Review status: criteria provided, single submitter. Criteria: Sema4 Curation Guidelines. Collection method: curation. Allele origin: germline.
Comment: The ATM c.4402G>A (p.V1468I) variant has been reported in heterozygosity in individuals with breast cancer, thyroid cancer, colon cancer, and advanced cancer (PMID: 29684080, 27978560, 28873162). It has also been reported in healthy controls (PMID: 24728327). It was observed in 20/24908 chromosomes of the African/African American subpopulation, with no homozygotes, in the large and broad cohorts of the Genome Aggregation Database (PMID: 32461654). The variant has been reported in ClinVar (Variation ID 127389). In silico tools suggest the impact of the variant on protein function is benign, though these predictions have not been confirmed by functional studies. The evidence is insufficient to meet ACMG/AMP criteria for classifying the variant as benign or pathogenic. Thus, the clinical significance of this variant is currently uncertain.

Department of Pathology and Laboratory Medicine, Sinai Health System
Classification: Uncertain significance for ATM-related cancer predisposition. Last evaluated: 2021-06-23. Review status: criteria provided, single submitter. Criteria: ACMG Guidelines, 2015. Collection method: clinical testing. Allele origin: germline. Affected: no.